The following is an entry in ClinVar:

NM_015874.6(RBPJ):c.775G>T (p.Ala259Ser)

Gene: RBPJ (recombination signal binding protein for immunoglobulin kappa J region; plus strand). Cytogenetic location: 4p15.2.
Variant type: single nucleotide variant.
Coding change: c.775G>T on transcript NM_015874.6 (MANE Select); coding-DNA position 775, G replaced by T.
Protein change: p.Ala259Ser; replaces alanine 259 with serine.
Molecular consequence: missense variant.
Genome position (GRCh38, 1-based): chr4:26,428,747, G>T. VCF-style: chr4-26428747-G-T. GRCh37 (hg19) VCF-style: chr4-26430369-G-T.
Other names: c.709G>T, p.Ala237Ser (NM_001363577.2, NM_203283.5); c.814G>T, p.Ala272Ser (NM_001374400.1, NM_001379408.1, NM_005349.4); c.772G>T, p.Ala258Ser (NM_001374401.1, NM_001374402.1, NM_001374403.1 and 3 more transcripts); c.769G>T, p.Ala257Ser (NM_001379409.1); short protein forms A237S, A257S, A258S, A259S, A272S.
Identifiers: ClinVar variation 1021626 (VCV001021626.8), dbSNP rs753437611, ClinGen allele CA356671161.

ClinVar aggregate classification (germline): Uncertain significance (1 of 4 stars; one submission).

Submission:

Labcorp Genetics (formerly Invitae), Labcorp
Classification: Uncertain significance. Last evaluated: 2024-10-22. Review status: criteria provided, single submitter. Criteria: Invitae Variant Classification Sherloc (09022015). Collection method: clinical testing. Allele origin: germline.
Comment: This sequence change replaces alanine, which is neutral and non-polar, with serine, which is neutral and polar, at codon 272 of the RBPJ protein (p.Ala272Ser). This variant is not present in population databases (gnomAD no frequency). This variant has not been reported in the literature in individuals affected with RBPJ-related conditions. ClinVar contains an entry for this variant (Variation ID: 1021626). Invitae Evidence Modeling of protein sequence and biophysical properties (such as structural, functional, and spatial information, amino acid conservation, physicochemical variation, residue mobility, and thermodynamic stability) indicates that this missense variant is not expected to disrupt RBPJ protein function with a negative predictive value of 80%. In summary, the available evidence is currently insufficient to determine the role of this variant in disease. Therefore, it has been classified as a Variant of Uncertain Significance.